The following is an entry in ClinVar:

NM_017644.3(KLHL24):c.791A>T (p.Tyr264Phe)

Gene: KLHL24 (kelch like family member 24; plus strand). Cytogenetic location: 3q27.1.
Variant type: single nucleotide variant.
Coding change: c.791A>T on transcript NM_017644.3 (MANE Select); coding-DNA position 791, A replaced by T.
Protein change: p.Tyr264Phe; replaces tyrosine 264 with phenylalanine.
Molecular consequence: missense variant. On other transcripts: 5 prime UTR variant (2), non-coding transcript variant (2).
Genome position (GRCh38, 1-based): chr3:183,651,147, A>T. VCF-style: chr3-183651147-A-T. GRCh37 (hg19) VCF-style: chr3-183368935-A-T.
Other names: c.791A>T, p.Tyr264Phe (NM_001349413.1, NM_001349414.1, NM_001349415.1 and 11 more transcripts); c.-176A>T (NM_001349428.1, NM_001349429.1); short protein forms Y264F.
Identifiers: ClinVar variation 4987995 (VCV004987995.1).

ClinVar aggregate classification (germline): Uncertain significance (1 of 4 stars; one submission).

Conditions:
KLHL24-related disorder. Also called: KLHL24-related condition.

Submission:

PreventionGenetics, part of Exact Sciences
Classification: Uncertain significance for KLHL24-related condition. Last evaluated: 2025-09-29. Review status: criteria provided, single submitter. Criteria: ACMG Guidelines, 2015. Collection method: clinical testing. Allele origin: germline.
Comment: The KLHL24 c.791A>T variant is predicted to result in the amino acid substitution p.Tyr264Phe. To our knowledge, this variant has not been reported in the literature or in a large population database (gnomAD), indicating this variant is rare. At this time, the clinical significance of this variant is uncertain due to the absence of conclusive functional and genetic evidence.